The following is an entry in ClinVar:

NM_001267550.2(TTN):c.19036G>A (p.Val6346Met)

Gene: TTN (titin; minus strand). Cytogenetic location: 2q31.2.
Variant type: single nucleotide variant.
Coding change: c.19036G>A on transcript NM_001267550.2 (MANE Select); coding-DNA position 19036, G replaced by A.
Protein change: p.Val6346Met; replaces valine 6346 with methionine.
Molecular consequence: missense variant. On other transcripts: intron variant (3).
Genome position (GRCh38, 1-based): chr2:178,729,002, C>T on the plus strand (G>A on the coding strand, the complement: TTN is on the minus strand). VCF-style: chr2-178729002-C-T. GRCh37 (hg19) VCF-style: chr2-179593729-C-T.
Other names: c.18085G>A, p.Val6029Met (NM_001256850.1); c.15304G>A, p.Val5102Met (NM_133378.4); c.13282+9080G>A (NM_003319.4); c.13858+9080G>A (NM_133437.4); c.13657+9080G>A (NM_133432.3); short protein forms V6346M, V6029M, V5102M.
Identifiers: ClinVar variation 404972 (VCV000404972.15), dbSNP rs537966944, ClinGen allele CA2001483.

ClinVar aggregate classification (germline): Conflicting classifications of pathogenicity. Review status: criteria provided, conflicting classifications (1 of 4 stars). 4 submissions from 4 submitters: Uncertain significance (3); Likely benign (1). Last evaluated 2022-06-17.

Conditions:
Dilated cardiomyopathy 1G (CMD1G). Identifiers: Orphanet 154, MedGen C1858763, MONDO:0011400, OMIM 604145.
Autosomal recessive limb-girdle muscular dystrophy type 2J (LGMDR10). Also called: Limb-girdle muscular dystrophy, type 2J; MUSCULAR DYSTROPHY, LIMB-GIRDLE, AUTOSOMAL RECESSIVE 10. Identifiers: Orphanet 140922, MedGen C1837342, MONDO:0012127, OMIM 608807.

Allele frequency attached by ClinVar (database versions not stated): gnomAD 0.00001 and 0.00002; gnomAD exomes 0.00002 and 0.00004; TOPMed 0.00002; ExAC 0.00003; 1000 Genomes Project 0.00020; 1000 Genomes Project 30x 0.00031.
gnomAD v4.1: 55 of 1,613,060 alleles (0.0034%); highest among the groups gnomAD compares: Non-Finnish European, 0.0044%; no homozygotes.

Submissions (4):

Women's Health and Genetics/Laboratory Corporation of America, LabCorp
Classification: Uncertain significance. Last evaluated: 2022-06-17. Review status: criteria provided, single submitter. Criteria: LabCorp Variant Classification Summary - May 2015. Collection method: clinical testing. Allele origin: germline.
Comment: Variant summary: TTN c.15304G>A (p.Val5102Met) results in a conservative amino acid change located in the I-band region of the encoded protein sequence. Three of four in-silico tools predict a benign effect of the variant on protein function. The variant allele was found at a frequency of 2e-05 in 247020 control chromosomes. The available data on variant occurrences in the general population are insufficient to allow any conclusion about variant significance. To our knowledge, no occurrence of c.15304G>A in individuals affected with Cardiomyopathy/Limb-Girdle Muscular Dystrophy/TTN-related disorders and no experimental evidence demonstrating its impact on protein function have been reported. Three clinical diagnostic laboratories have submitted clinical-significance assessments for this variant to ClinVar after 2014 without evidence for independent evaluation. Based on the evidence outlined above, the variant was classified as uncertain significance.

ARUP Laboratories, Molecular Genetics and Genomics, ARUP Laboratories
Classification: Uncertain significance. Last evaluated: 2020-03-11. Review status: criteria provided, single submitter. Criteria: ARUP Molecular Germline Variant Investigation Process. Collection method: clinical testing. Allele origin: germline.
Comment: The TTN .19036G>A; p.Val6346Met variant (rs537966944; ClinVar Variation ID: 404972) is rare in the general population (<1% allele frequency in the Genome Aggregation Database) and has not been reported in the medical literature in association with dilated cardiomyopathy (DCM) or other TTN-related disease. The clinical relevance of rare missense variants in this gene, which are identified on average once per individual sequenced in affected populations (Herman 2012), is not well understood. Yet, evidence suggests that the vast majority of such missense variants do not contribute to the clinical outcome of DCM (Begay 2015). Thus, the clinical significance of the p.Val6346Met variant cannot be determined with certainty. References: Begay RL et al. Role of Titin Missense Variants in Dilated Cardiomyopathy. J Am Heart Assoc. 2015 Nov 13;4(11). Herman DS et al. Truncations of titin causing dilated cardiomyopathy. N Engl J Med. 2012 Feb 16;366(7):619-28. Linke WA and Hamdani N. Gigantic business: titin properties and function through thick and thin. Circ Res 2014; 114(6): 1052-1068.

GeneDx
Classification: Likely benign. Last evaluated: 2019-01-08. Review status: criteria provided, single submitter. Criteria: GeneDx Variant Classification Process June 2021. Collection method: clinical testing. Allele origin: germline. Affected: yes.

Labcorp Genetics (formerly Invitae), Labcorp
Classification: Uncertain significance for Dilated cardiomyopathy 1G; Autosomal recessive limb-girdle muscular dystrophy type 2J. Last evaluated: 2016-10-13. Review status: criteria provided, single submitter. Criteria: Invitae Variant Classification Sherloc (09022015). Collection method: clinical testing. Allele origin: germline.